The following is an entry in ClinVar:

NM_001085487.3(MYSM1):c.238T>C (p.Ser80Pro)

Gene: MYSM1 (Myb like, SWIRM and MPN domains 1; minus strand). Cytogenetic location: 1p32.1.
Variant type: single nucleotide variant.
Coding change: c.238T>C on transcript NM_001085487.3 (MANE Select); coding-DNA position 238, T replaced by C.
Protein change: p.Ser80Pro; replaces serine 80 with proline.
Molecular consequence: missense variant.
Genome position (GRCh38, 1-based): chr1:58,690,398, A>G on the plus strand (T>C on the coding strand, the complement: MYSM1 is on the minus strand). VCF-style: chr1-58690398-A-G. GRCh37 (hg19) VCF-style: chr1-59156070-A-G.
Other names: c.238T>C (NM_001085487.2); short protein forms S80P.
Identifiers: ClinVar variation 2083635 (VCV002083635.3), dbSNP rs377102315, ClinGen allele CA878101.

ClinVar aggregate classification (germline): Uncertain significance. Review status: criteria provided, multiple submitters, no conflicts (2 of 4 stars). 2 submissions from 2 submitters: Uncertain significance (2). Last evaluated 2024-12-18.

Conditions:
Inborn genetic diseases. Identifiers: MedGen C0950123, MeSH D030342.

Allele frequency attached by ClinVar (database versions not stated): gnomAD exomes 0.00002; ExAC 0.00007; ESP Exome Variant Server 0.00009; gnomAD 0.00013; TOPMed 0.00026.
gnomAD v4.1: 55 of 1,599,022 alleles (0.0034%); highest among the groups gnomAD compares: African/African-American, 0.067%; no homozygotes.

Submissions (2):

Labcorp Genetics (formerly Invitae), Labcorp
Classification: Uncertain significance. Last evaluated: 2024-12-18. Review status: criteria provided, single submitter. Criteria: Invitae Variant Classification Sherloc (09022015). Collection method: clinical testing. Allele origin: germline.
Comment: This sequence change replaces serine, which is neutral and polar, with proline, which is neutral and non-polar, at codon 80 of the MYSM1 protein (p.Ser80Pro). This variant is present in population databases (rs377102315, gnomAD 0.08%). This variant has not been reported in the literature in individuals affected with MYSM1-related conditions. ClinVar contains an entry for this variant (Variation ID: 2083635). Invitae Evidence Modeling of protein sequence and biophysical properties (such as structural, functional, and spatial information, amino acid conservation, physicochemical variation, residue mobility, and thermodynamic stability) indicates that this missense variant is not expected to disrupt MYSM1 protein function with a negative predictive value of 80%. In summary, the available evidence is currently insufficient to determine the role of this variant in disease. Therefore, it has been classified as a Variant of Uncertain Significance.

Ambry Genetics
Classification: Uncertain significance for Inborn genetic diseases. Last evaluated: 2024-12-17. Review status: criteria provided, single submitter. Criteria: Ambry Variant Classification Scheme 2023. Collection method: clinical testing. Allele origin: germline.